The following is an entry in ClinVar:

ClinVar aggregate classification (germline): Uncertain significance. Review status: criteria provided, multiple submitters, no conflicts (2 of 4 stars). 2 submissions from 2 submitters: Uncertain significance (2). Last evaluated 2023-01-09.

Conditions:
Jeune thoracic dystrophy. Also called: Short-rib thoracic dysplasia; Jeune syndrome; Infantile thoracic dystrophy; Thoracic pelvic phalangeal dystrophy; Jeune's syndrome; Chondroectodermal dysplasia-like syndrome. Identifiers: Orphanet 474, MedGen C0265275, MONDO:0018770.
Nephronophthisis. Also called: Juvenile Nephronophthisis. Identifiers: Orphanet 655, MedGen C0687120, MONDO:0019005, HP:0000090.

Allele frequency attached by ClinVar (database versions not stated): gnomAD exomes 0.00001.
gnomAD v4.1: 3 of 1,613,722 alleles (0.00019%); highest among the groups gnomAD compares: Non-Finnish European, 0.00025%; no homozygotes.

Submissions (2):

Labcorp Genetics (formerly Invitae), Labcorp
Classification: Uncertain significance for Jeune thoracic dystrophy; Nephronophthisis. Last evaluated: 2023-01-09. Review status: criteria provided, single submitter. Criteria: Invitae Variant Classification Sherloc (09022015). Collection method: clinical testing. Allele origin: germline.
Comment: Advanced modeling of protein sequence and biophysical properties (such as structural, functional, and spatial information, amino acid conservation, physicochemical variation, residue mobility, and thermodynamic stability) performed at Invitae indicates that this missense variant is not expected to disrupt TTC21B protein function. In summary, the available evidence is currently insufficient to determine the role of this variant in disease. Therefore, it has been classified as a Variant of Uncertain Significance. ClinVar contains an entry for this variant (Variation ID: 1712845). This variant has not been reported in the literature in individuals affected with TTC21B-related conditions. This variant is present in population databases (no rsID available, gnomAD 0.0009%). This sequence change replaces glycine, which is neutral and non-polar, with valine, which is neutral and non-polar, at codon 786 of the TTC21B protein (p.Gly786Val).

GeneDx
Classification: Uncertain significance. Last evaluated: 2022-04-22. Review status: criteria provided, single submitter. Criteria: GeneDx Variant Classification Process June 2021. Collection method: clinical testing. Allele origin: germline. Affected: yes.
Comment: Not observed at significant frequency in large population cohorts (gnomAD); In silico analysis supports that this missense variant has a deleterious effect on protein structure/function; Has not been previously published as pathogenic or benign to our knowledge

NM_024753.5(TTC21B):c.2357G>T (p.Gly786Val)

Gene: TTC21B (tetratricopeptide repeat domain 21B; minus strand). Cytogenetic location: 2q24.3.
Variant type: single nucleotide variant.
Coding change: c.2357G>T on transcript NM_024753.5 (MANE Select); coding-DNA position 2357, G replaced by T.
Protein change: p.Gly786Val; replaces glycine 786 with valine.
Molecular consequence: missense variant.
Genome position (GRCh38, 1-based): chr2:165,911,431, C>A on the plus strand (G>T on the coding strand, the complement: TTC21B is on the minus strand). VCF-style: chr2-165911431-C-A. GRCh37 (hg19) VCF-style: chr2-166767941-C-A.
Other names: short protein forms G786V.
Identifiers: ClinVar variation 1712845 (VCV001712845.7), dbSNP rs1313553538, ClinGen allele CA349057095.